The following is an entry in ClinVar:

NM_000195.5(HPS1):c.1437C>A (p.Cys479Ter)

Gene: HPS1 (HPS1 biogenesis of lysosomal organelles complex 3 subunit 1; minus strand). Cytogenetic location: 10q24.2.
Variant type: single nucleotide variant.
Coding change: c.1437C>A on transcript NM_000195.5 (MANE Select); coding-DNA position 1437, C replaced by A.
Protein change: p.Cys479Ter; replaces cysteine 479 with a stop codon.
Molecular consequence: nonsense.
Genome position (GRCh38, 1-based): chr10:98,423,848, G>T on the plus strand (C>A on the coding strand, the complement: HPS1 is on the minus strand). VCF-style: chr10-98423848-G-T. GRCh37 (hg19) VCF-style: chr10-100183605-G-T.
Other names: c.465C>A, p.Cys155Ter (NM_001311345.2, NM_001322487.2, NM_001322489.2); c.1437C>A, p.Cys479Ter (NM_001322476.2, NM_001322477.2); c.1338C>A, p.Cys446Ter (NM_001322478.2, NM_001322479.2); c.1176C>A, p.Cys392Ter (NM_001322480.2, NM_001322481.2); c.1077C>A, p.Cys359Ter (NM_001322482.2); c.1068C>A, p.Cys356Ter (NM_001322483.2, NM_001322484.2); c.969C>A, p.Cys323Ter (NM_001322485.2); short protein forms C359*, C155*, C446*, C323*, C356*, C392*, C479*.
Identifiers: ClinVar variation 848274 (VCV000848274.9), dbSNP rs552340796, ClinGen allele CA378046312.

ClinVar aggregate classification (germline): Pathogenic/Likely pathogenic. Review status: criteria provided, multiple submitters, no conflicts (2 of 4 stars). 3 submissions from 3 submitters: Pathogenic (2); Likely pathogenic (1). Last evaluated 2024-07-11.

Conditions:
Hermansky-Pudlak syndrome 1 (HPS1). Also called: DELTA STORAGE POOL DISEASE. Identifiers: Orphanet 231500, Orphanet 79430, MedGen C2931875, MONDO:0008748, OMIM 203300.

gnomAD v4.1: 1 of 1,613,836 alleles (0.000062%); highest among the groups gnomAD compares: Non-Finnish European, 0.000085%; no homozygotes.

Submissions (3):

Myriad Genetics, Inc.
Classification: Pathogenic for Hermansky-Pudlak syndrome 1. Last evaluated: 2024-07-11. Review status: criteria provided, single submitter. Criteria: Myriad Autosomal Dominant, Autosomal Recessive and X-Linked Classification Criteria (2023). Collection method: clinical testing. Allele origin: unknown.
Comment: NM_000195.3(HPS1):c.1437C>A(C479*) is expected to be pathogenic in the context of Hermansky-Pudlak syndrome, HPS1-related. This variant is predicted to lead to an abnormal or absent protein product due to the creation of a premature termination codon in HPS1, a gene where loss-of-function variants are known to be pathogenic. Please note: this variant was assessed in the context of healthy population screening.

Baylor Genetics
Classification: Likely pathogenic for Hermansky-Pudlak syndrome 1. Last evaluated: 2023-09-30. Review status: criteria provided, single submitter. Criteria: ACMG Guidelines, 2015. Collection method: clinical testing. Allele origin: unknown.

Labcorp Genetics (formerly Invitae), Labcorp
Classification: Pathogenic. Last evaluated: 2023-02-21. Review status: criteria provided, single submitter. Criteria: Invitae Variant Classification Sherloc (09022015). Collection method: clinical testing. Allele origin: germline.
Comment: This variant is not present in population databases (gnomAD no frequency). For these reasons, this variant has been classified as Pathogenic. ClinVar contains an entry for this variant (Variation ID: 848274). This variant has not been reported in the literature in individuals affected with HPS1-related conditions. This sequence change creates a premature translational stop signal (p.Cys479*) in the HPS1 gene. It is expected to result in an absent or disrupted protein product. Loss-of-function variants in HPS1 are known to be pathogenic (PMID: 12442288, 16185271).

Literature cited by the submitters: PubMed 12442288 (cited by Labcorp Genetics (formerly Invitae), Labcorp); PubMed 16185271 (cited by Labcorp Genetics (formerly Invitae), Labcorp).